The following is an entry in ClinVar:

NM_032603.5(LOXL3):c.1838_1839dup (p.Asp614fs)

Gene: LOXL3 (lysyl oxidase like 3; minus strand). Cytogenetic location: 2p13.1.
Variant type: Duplication.
Coding change: c.1838_1839dup on transcript NM_032603.5 (MANE Select); coding-DNA positions 1838 to 1839, 2 bases duplicated (TG; older notation c.1838_1839dupTG).
Protein change: p.Asp614fs; shifts the reading frame from aspartic acid 614.
Molecular consequence: frameshift variant.
Genome position (GRCh38, 1-based): chr2:74,534,416-74,534,417, CA duplicated on the plus strand (TG on the coding strand, the reverse complement: LOXL3 is on the minus strand). VCF-style (leftmost placement, unchanged base first): chr2-74534415-C-CCA. GRCh37 (hg19) VCF-style: chr2-74761542-C-CCA.
Other names: c.1403_1404dup, p.Asp469fs (NM_001289164.3); c.755_756dup, p.Asp253fs (NM_001289165.2); short protein forms D253fs, D469fs, D614fs.
Identifiers: ClinVar variation 1976294 (VCV001976294.2), dbSNP rs1558617038, ClinGen allele CA534128070.
Genomic context (GRCh38, chr2:74,534,415, plus strand): 5'-TGTGGCCCTCAGCCACCTTGGTGCCATTTGGGGTGAGGATATCATAGTGAGTGAAGATGT[C>CCA]CATGCTGTGGTAATGCCTGTGGGGAGAAGGGAACTTCTGTTTCCTTCTCTGCCCCCAGAA-3'

ClinVar aggregate classification (germline): Uncertain significance (1 of 4 stars; one submission).

Allele frequency attached by ClinVar (database versions not stated): gnomAD 0.00001; gnomAD exomes 0.00001; TOPMed 0.00001.

Submission:

Labcorp Genetics (formerly Invitae), Labcorp
Classification: Uncertain significance. Last evaluated: 2022-05-05. Review status: criteria provided, single submitter. Criteria: Invitae Variant Classification Sherloc (09022015). Collection method: clinical testing. Allele origin: germline.
Comment: This sequence change creates a premature translational stop signal (p.Asp614Trpfs*72) in the LOXL3 gene. It is expected to result in an absent or disrupted protein product. However, the current clinical and genetic evidence is not sufficient to establish whether loss-of-function variants in LOXL3 cause disease. This variant is present in population databases (no rsID available, gnomAD 0.0009%). This variant has not been reported in the literature in individuals affected with LOXL3-related conditions. In summary, the available evidence is currently insufficient to determine the role of this variant in disease. Therefore, it has been classified as a Variant of Uncertain Significance.